The following is an entry in ClinVar:

ClinVar aggregate classification (germline): Uncertain significance (1 of 4 stars; one submission).

Allele frequency attached by ClinVar (database versions not stated): TOPMed below 0.00001; gnomAD exomes 0.00001.
gnomAD v4.1: 15 of 1,613,052 alleles (0.00093%); highest among the groups gnomAD compares: Non-Finnish European, 0.0013%; no homozygotes.

Submission:

Biesecker Lab/Clinical Genomics Section, National Institutes of Health
Classification: Uncertain significance. Last evaluated: 2013-06-24. Review status: criteria provided, single submitter. Criteria: Ng et al. (Circ Cardiovasc Genet. 2013). Collection method: research. Allele origin: unknown. Observed: 1 variant allele. Study: ClinSeq.
Comment: The study set was not selected for affection status in relation to any cancer. Pathogenicity categories were based on literature curation. See Pubmed ID:23861362 for details.

Medical sequencing

NM_001267550.2(TTN):c.76422G>T (p.Lys25474Asn)

Genes: TTN (titin; minus strand), TTN-AS1 (TTN antisense RNA 1; plus strand). Cytogenetic location: 2q31.2.
Variant type: single nucleotide variant.
Coding change: c.76422G>T on transcript NM_001267550.2 (MANE Select); coding-DNA position 76422, G replaced by T.
Protein change: p.Lys25474Asn; replaces lysine 25474 with asparagine.
Molecular consequence: missense variant.
Genome position (GRCh38, 1-based): chr2:178,569,710, C>A on the plus strand (G>T on the coding strand, the complement: TTN is on the minus strand). VCF-style: chr2-178569710-C-A. GRCh37 (hg19) VCF-style: chr2-179434437-C-A.
Other names: c.71499G>T, p.Lys23833Asn (NM_001256850.1); c.49227G>T, p.Lys16409Asn (NM_003319.4); c.68718G>T, p.Lys22906Asn (NM_133378.4); c.49602G>T, p.Lys16534Asn (NM_133432.3); c.49803G>T, p.Lys16601Asn (NM_133437.4); short protein forms K22906N, K25474N, K16409N, K16534N, K23833N, K16601N.
Identifiers: ClinVar variation 191893 (VCV000191893.1), dbSNP rs786205301, ClinGen allele CA237800.